The following is an entry in ClinVar:

NM_032776.3(JMJD1C):c.5629A>G (p.Arg1877Gly)

Gene: JMJD1C (jumonji domain containing 1C; minus strand). Cytogenetic location: 10q21.3.
Variant type: single nucleotide variant.
Coding change: c.5629A>G on transcript NM_032776.3 (MANE Select); coding-DNA position 5629, A replaced by G.
Protein change: p.Arg1877Gly; replaces arginine 1877 with glycine.
Molecular consequence: missense variant. On other transcripts: non-coding transcript variant (1).
Genome position (GRCh38, 1-based): chr10:63,197,426, T>C on the plus strand (A>G on the coding strand, the complement: JMJD1C is on the minus strand). VCF-style: chr10-63197426-T-C. GRCh37 (hg19) VCF-style: chr10-64957186-T-C.
Other names: c.5083A>G, p.Arg1695Gly (NM_001282948.2, NM_001318154.2); c.4765A>G, p.Arg1589Gly (NM_001318153.2); c.5515A>G, p.Arg1839Gly (NM_001322252.2); c.4972A>G, p.Arg1658Gly (NM_001322254.2, NM_001322258.2); short protein forms R1589G, R1658G, R1695G, R1839G, R1877G.
Identifiers: ClinVar variation 1720954 (VCV001720954.5), dbSNP rs1845581942, ClinGen allele CA377029384.

ClinVar aggregate classification (germline): Uncertain significance (1 of 4 stars; one submission).

Conditions:
Early Myoclonic Encephalopathy. Identifiers: MedGen C0270855.

Allele frequency attached by ClinVar (database versions not stated): TOPMed 0.00001.

Submission:

Labcorp Genetics (formerly Invitae), Labcorp
Classification: Uncertain significance for Early Myoclonic Encephalopathy. Last evaluated: 2023-07-10. Review status: criteria provided, single submitter. Criteria: Invitae Variant Classification Sherloc (09022015). Collection method: clinical testing. Allele origin: germline.
Comment: This variant is not present in population databases (gnomAD no frequency). ClinVar contains an entry for this variant (Variation ID: 1720954). This variant has not been reported in the literature in individuals affected with JMJD1C-related conditions. This sequence change replaces arginine, which is basic and polar, with glycine, which is neutral and non-polar, at codon 1877 of the JMJD1C protein (p.Arg1877Gly). In summary, the available evidence is currently insufficient to determine the role of this variant in disease. Therefore, it has been classified as a Variant of Uncertain Significance. Advanced modeling of protein sequence and biophysical properties (such as structural, functional, and spatial information, amino acid conservation, physicochemical variation, residue mobility, and thermodynamic stability) performed at Invitae indicates that this missense variant is expected to disrupt JMJD1C protein function.